The following is an entry in ClinVar:

ClinVar aggregate classification (germline): Uncertain significance. Review status: criteria provided, multiple submitters, no conflicts (2 of 4 stars). 3 submissions from 3 submitters: Uncertain significance (3). Last evaluated 2024-12-07.

Conditions:
Inborn genetic diseases. Identifiers: MedGen C0950123, MeSH D030342.
Fanconi anemia (FA). Also called: Fanconi's anemia. Identifiers: Orphanet 84, MedGen C0015625, MeSH D005199, MONDO:0019391.
Fanconi anemia complementation group A (FANCA). Also called: Fanconi anemia, group A; FANCA-Related Fanconi Anemia. Identifiers: Orphanet 84, MedGen C3469521, MONDO:0009215, OMIM 227650.

Allele frequency attached by ClinVar (database versions not stated): TOPMed below 0.00001; gnomAD 0.00001; gnomAD exomes 0.00001 and 0.00002.
gnomAD v4.1: 9 of 1,613,994 alleles (0.00056%); highest among the groups gnomAD compares: Non-Finnish European, 0.00076%; no homozygotes.

Submissions (3):

Ambry Genetics
Classification: Uncertain significance for Inborn genetic diseases. Last evaluated: 2024-12-07. Review status: criteria provided, single submitter. Criteria: Ambry Variant Classification Scheme 2023. Collection method: clinical testing. Allele origin: germline.
Comment: The p.D1280N variant (also known as c.3838G>A), located in coding exon 39 of the FANCA gene, results from a G to A substitution at nucleotide position 3838. The aspartic acid at codon 1280 is replaced by asparagine, an amino acid with highly similar properties. This amino acid position is conserved. In addition, this alteration is predicted to be tolerated by in silico analysis. Based on the available evidence, the clinical significance of this variant remains unclear.

Labcorp Genetics (formerly Invitae), Labcorp
Classification: Uncertain significance for Fanconi anemia. Last evaluated: 2021-08-30. Review status: criteria provided, single submitter. Criteria: Invitae Variant Classification Sherloc (09022015). Collection method: clinical testing. Allele origin: germline.
Comment: This sequence change replaces aspartic acid with asparagine at codon 1280 of the FANCA protein (p.Asp1280Asn). The aspartic acid residue is moderately conserved and there is a small physicochemical difference between aspartic acid and asparagine. This variant is not present in population databases (ExAC no frequency). This variant has not been reported in the literature in individuals affected with FANCA-related conditions. Algorithms developed to predict the effect of missense changes on protein structure and function output the following: SIFT: "Tolerated"; PolyPhen-2: "Possibly Damaging"; Align-GVGD: "Class C0". The asparagine amino acid residue is found in multiple mammalian species, which suggests that this missense change does not adversely affect protein function. In summary, the available evidence is currently insufficient to determine the role of this variant in disease. Therefore, it has been classified as a Variant of Uncertain Significance.

Fulgent Genetics
Classification: Uncertain significance for Fanconi anemia complementation group A. Last evaluated: 2021-08-09. Review status: criteria provided, single submitter. Criteria: ACMG Guidelines, 2015. Collection method: clinical testing. Allele origin: unknown.

NM_000135.4(FANCA):c.3838G>A (p.Asp1280Asn)

Genes: ZNF276 (zinc finger protein 276; plus strand), FANCA (FA complementation group A; minus strand). Cytogenetic location: 16q24.3.
Variant type: single nucleotide variant.
Coding change: c.3838G>A on transcript NM_000135.4 (MANE Select); coding-DNA position 3838, G replaced by A.
Protein change: p.Asp1280Asn; replaces aspartic acid 1280 with asparagine.
Molecular consequence: missense variant. On other transcripts: 3 prime UTR variant (2), non-coding transcript variant (4).
Genome position (GRCh38, 1-based): chr16:89,740,090, C>T on the plus strand (G>A on the coding strand, the complement: FANCA is on the minus strand). VCF-style: chr16-89740090-C-T. GRCh37 (hg19) VCF-style: chr16-89806498-C-T.
Other names: c.3838G>A, p.Asp1280Asn (NM_001286167.3); c.*1844C>T (NM_001113525.2, NM_152287.4); short protein forms D1280N.
Identifiers: ClinVar variation 966345 (VCV000966345.8), dbSNP rs914045767, ClinGen allele CA397485095.